The following is an entry in ClinVar:

NM_001563.4(IMPG1):c.1930T>G (p.Ser644Ala)

Gene: IMPG1 (interphotoreceptor matrix proteoglycan 1; minus strand). Cytogenetic location: 6q14.1.
Variant type: single nucleotide variant.
Coding change: c.1930T>G on transcript NM_001563.4 (MANE Select); coding-DNA position 1930, T replaced by G.
Protein change: p.Ser644Ala; replaces serine 644 with alanine.
Molecular consequence: missense variant.
Genome position (GRCh38, 1-based): chr6:75,947,428, A>C on the plus strand (T>G on the coding strand, the complement: IMPG1 is on the minus strand). VCF-style: chr6-75947428-A-C. GRCh37 (hg19) VCF-style: chr6-76657145-A-C.
Other names: c.1696T>G, p.Ser566Ala (NM_001282368.2); short protein forms S566A, S644A.
Identifiers: ClinVar variation 1014295 (VCV001014295.11), dbSNP rs1781946410, ClinGen allele CA364775415.

ClinVar aggregate classification (germline): Uncertain significance. Review status: criteria provided, single submitter (1 of 4 stars). 3 submissions from 3 submitters: Uncertain significance (1). 2 of the submissions do not count toward it. Last evaluated 2022-10-13.

gnomAD v4.1: 3 of 1,613,812 alleles (0.00019%); no homozygotes.

Submissions (3):

Labcorp Genetics (formerly Invitae), Labcorp
Classification: Uncertain significance. Last evaluated: 2022-10-13. Review status: criteria provided, single submitter. Criteria: Invitae Variant Classification Sherloc (09022015). Collection method: clinical testing. Allele origin: germline.
Comment: In summary, the available evidence is currently insufficient to determine the role of this variant in disease. Therefore, it has been classified as a Variant of Uncertain Significance. Algorithms developed to predict the effect of missense changes on protein structure and function output the following: SIFT: "Tolerated"; PolyPhen-2: "Benign"; Align-GVGD: "Class C0". The alanine amino acid residue is found in multiple mammalian species, which suggests that this missense change does not adversely affect protein function. ClinVar contains an entry for this variant (Variation ID: 1014295). This variant has not been reported in the literature in individuals affected with IMPG1-related conditions. This variant is not present in population databases (gnomAD no frequency). This sequence change replaces serine, which is neutral and polar, with alanine, which is neutral and non-polar, at codon 644 of the IMPG1 protein (p.Ser644Ala).

Clinical Genetics DNA and cytogenetics Diagnostics Lab, Erasmus MC, Erasmus Medical Center
Classification: Likely benign. Review status: no assertion criteria provided. Collection method: clinical testing. Allele origin: germline. Affected: yes. Study: VKGL Data-share Consensus. Not counted in ClinVar's aggregate classification.

Clinical Genetics, Academic Medical Center
Classification: Benign. Review status: no assertion criteria provided. Collection method: clinical testing. Allele origin: germline. Affected: yes. Study: VKGL Data-share Consensus. Not counted in ClinVar's aggregate classification.